The following is an entry in ClinVar:

ClinVar aggregate classification (germline): Uncertain significance (1 of 4 stars; one submission).

Allele frequency attached by ClinVar (database versions not stated): gnomAD exomes below 0.00001.
gnomAD v4.1: 1 of 1,525,582 alleles (0.000066%); highest among the groups gnomAD compares: Non-Finnish European, 0.000091%; no homozygotes.

Submission:

Labcorp Genetics (formerly Invitae), Labcorp
Classification: Uncertain significance. Last evaluated: 2022-10-05. Review status: criteria provided, single submitter. Criteria: Invitae Variant Classification Sherloc (09022015). Collection method: clinical testing. Allele origin: germline.
Comment: This variant has not been reported in the literature in individuals affected with ARL3-related conditions. In summary, the available evidence is currently insufficient to determine the role of this variant in disease. Therefore, it has been classified as a Variant of Uncertain Significance. Variants that disrupt the consensus splice site are a relatively common cause of aberrant splicing (PMID: 17576681, 9536098). Algorithms developed to predict the effect of sequence changes on RNA splicing suggest that this variant is not likely to affect RNA splicing. ClinVar contains an entry for this variant (Variation ID: 1009242). This variant is not present in population databases (gnomAD no frequency). This sequence change falls in intron 3 of the ARL3 gene. It does not directly change the encoded amino acid sequence of the ARL3 protein. It affects a nucleotide within the consensus splice site.

Literature cited by the submitters: PubMed 17576681; PubMed 9536098.

NM_004311.4(ARL3):c.264+6T>A

Gene: ARL3 (ARF like GTPase 3; minus strand). Cytogenetic location: 10q24.32.
Variant type: single nucleotide variant.
Coding change: c.264+6T>A on transcript NM_004311.4 (MANE Select); 6 bases into the intron after coding-DNA position 264, T replaced by A.
Molecular consequence: intron variant.
Genome position (GRCh38, 1-based): chr10:102,699,367, A>T on the plus strand (T>A on the coding strand, the complement: ARL3 is on the minus strand). VCF-style: chr10-102699367-A-T. GRCh37 (hg19) VCF-style: chr10-104459124-A-T.
Identifiers: ClinVar variation 1009242 (VCV001009242.6), dbSNP rs2064266007, ClinGen allele CA1932790747.